The following is an entry in ClinVar:

NM_000136.3(FANCC):c.805C>G (p.Leu269Val)

Genes: FANCC (FA complementation group C; minus strand), AOPEP (aminopeptidase O (putative); plus strand). Cytogenetic location: 9q22.32.
Variant type: single nucleotide variant.
Coding change: c.805C>G on transcript NM_000136.3 (MANE Select); coding-DNA position 805, C replaced by G.
Protein change: p.Leu269Val; replaces leucine 269 with valine.
Molecular consequence: missense variant.
Genome position (GRCh38, 1-based): chr9:95,135,384, G>C on the plus strand (C>G on the coding strand, the complement: FANCC is on the minus strand). VCF-style: chr9-95135384-G-C. GRCh37 (hg19) VCF-style: chr9-97897666-G-C.
Other names: c.805C>G, p.Leu269Val (NM_001243743.2, NM_001243744.2); short protein forms L269V.
Identifiers: ClinVar variation 1761836 (VCV001761836.3), dbSNP rs762322090, ClinGen allele CA5137633.
Genomic context (GRCh38, chr9:95,135,384, plus strand): 5'-TTCATCAAAACCCAGTACGTACCAGCGATGAATCTTTTATAAAGCATTCGATCCTTCTCA[G>C]ACAATTTCTCTCACTGGAGATTAGCTTTTCAAAAAGATGCAGCATTGCTTTTTCAAGGCT-3'
Protein context (NP_000127.2, residues 259-279): EKLISSERNC[Leu269Val]RRIECFIKDS

ClinVar aggregate classification (germline): Uncertain significance (1 of 4 stars; one submission).

Conditions:
Hereditary cancer-predisposing syndrome. Also called: Neoplastic Syndromes, Hereditary; Tumor predisposition; Hereditary Cancer Syndrome; Hereditary neoplastic syndrome. Identifiers: Orphanet 140162, MedGen C0027672, MeSH D009386, MONDO:0015356.

Allele frequency attached by ClinVar (database versions not stated): gnomAD exomes below 0.00001; ExAC 0.00002.
gnomAD v4.1: 2 of 1,614,034 alleles (0.00012%); highest among the groups gnomAD compares: Non-Finnish European, 0.000085%; no homozygotes.

Submission:

Ambry Genetics
Classification: Uncertain significance for Hereditary cancer-predisposing syndrome. Last evaluated: 2025-11-10. Review status: criteria provided, single submitter. Criteria: Ambry Variant Classification Scheme 2023. Collection method: clinical testing. Allele origin: germline.
Comment: The p.L269V variant (also known as c.805C>G), located in coding exon 7 of the FANCC gene, results from a C to G substitution at nucleotide position 805. The leucine at codon 269 is replaced by valine, an amino acid with highly similar properties. This amino acid position is conserved. In addition, this alteration is predicted to be tolerated by in silico analysis. Since supporting evidence is limited at this time, the clinical significance of this alteration remains unclear.